The following is an entry in ClinVar:

ClinVar aggregate classification (germline): Likely benign. Review status: criteria provided, single submitter (1 of 4 stars). 2 submissions from 2 submitters: Likely benign (1). 1 of the submissions does not count toward it. Last evaluated 2025-09-24.

Conditions:
KATNIP-related disorder. Also called: KATNIP-related condition.

Allele frequency attached by ClinVar (database versions not stated): ExAC 0.00002; gnomAD 0.00003; TOPMed 0.00003; gnomAD exomes 0.00006.
gnomAD v4.1: 92 of 1,611,978 alleles (0.0057%); highest among the groups gnomAD compares: Non-Finnish European, 0.0076%; no homozygotes.

Submissions (2):

Labcorp Genetics (formerly Invitae), Labcorp
Classification: Likely benign. Last evaluated: 2025-09-24. Review status: criteria provided, single submitter. Criteria: Invitae Variant Classification Sherloc (09022015). Collection method: clinical testing. Allele origin: germline.

PreventionGenetics, part of Exact Sciences
Classification: Likely benign for KATNIP-related condition. Last evaluated: 2019-05-01. Review status: no assertion criteria provided. Collection method: clinical testing. Allele origin: germline. Not counted in ClinVar's aggregate classification.
Comment: This variant is classified as likely benign based on ACMG/AMP sequence variant interpretation guidelines (Richards et al. 2015 PMID: 25741868, with internal and published modifications).

NM_015202.5(KATNIP):c.3976-5G>A

Genes: KATNIP (katanin interacting protein; plus strand), LOC126862323 (P300/CBP strongly-dependent group 1 enhancer GRCh37_chr16:27780758-27781957; plus strand). Cytogenetic location: 16p12.1.
Variant type: single nucleotide variant.
Coding change: c.3976-5G>A on transcript NM_015202.5 (MANE Select); 5 bases into the intron before coding-DNA position 3976, G replaced by A.
Molecular consequence: intron variant.
Genome position (GRCh38, 1-based): chr16:27,769,856, G>A. VCF-style: chr16-27769856-G-A. GRCh37 (hg19) VCF-style: chr16-27781177-G-A.
Other names: c.3976-5G>A (NM_015202.3).
Identifiers: ClinVar variation 2190982 (VCV002190982.6), dbSNP rs770498148, ClinGen allele CA7978460.
Genomic context (GRCh38, chr16:27,769,856, plus strand): 5'-CAGCACCGCTTCTGTCCCCACATGGCCTGCCTCCCTTCAGTCATGTTATTTCTTTTGTTT[G>A]CCAGGCCAAGATTGTCCACGTCTCCCTGGATGGCCTGTGCGTCTCCCCGCCAGAGGGCTT-3'